The following is an entry in ClinVar:

ClinVar aggregate classification (germline): Uncertain significance (1 of 4 stars; one submission).

Submission:

Labcorp Genetics (formerly Invitae), Labcorp
Classification: Uncertain significance. Last evaluated: 2025-11-23. Review status: criteria provided, single submitter. Criteria: Invitae Variant Classification Sherloc (09022015). Collection method: clinical testing. Allele origin: germline.
Comment: This sequence change replaces proline, which is neutral and non-polar, with arginine, which is basic and polar, at codon 276 of the KCNH1 protein (p.Pro276Arg). This variant is not present in population databases (gnomAD no frequency). This variant has not been reported in the literature in individuals affected with KCNH1-related conditions. Invitae Evidence Modeling of protein sequence and biophysical properties (such as structural, functional, and spatial information, amino acid conservation, physicochemical variation, residue mobility, and thermodynamic stability) has been performed for this missense variant. However, the output from this modeling did not meet the statistical confidence thresholds required to predict the impact of this variant on KCNH1 protein function. In summary, the available evidence is currently insufficient to determine the role of this variant in disease. Therefore, it has been classified as a Variant of Uncertain Significance.

NM_172362.3(KCNH1):c.827C>G (p.Pro276Arg)

Gene: KCNH1 (potassium voltage-gated channel subfamily H member 1; minus strand). Cytogenetic location: 1q32.2.
Variant type: single nucleotide variant.
Coding change: c.827C>G on transcript NM_172362.3 (MANE Select); coding-DNA position 827, C replaced by G.
Protein change: p.Pro276Arg; replaces proline 276 with arginine.
Molecular consequence: missense variant.
Genome position (GRCh38, 1-based): chr1:211,018,988, G>C on the plus strand (C>G on the coding strand, the complement: KCNH1 is on the minus strand). VCF-style: chr1-211018988-G-C. GRCh37 (hg19) VCF-style: chr1-211192330-G-C.
Other names: c.827C>G, p.Pro276Arg (NM_002238.4); short protein forms P276R.
Identifiers: ClinVar variation 4801753 (VCV004801753.1).